The following is an entry in ClinVar:

ClinVar aggregate classification (germline): Pathogenic (1 of 4 stars; one submission).

Conditions:
Glycogen storage disease type III (GSD3). Also called: Cori disease; FORBES DISEASE. Identifiers: Orphanet 366, MedGen C0017922, MONDO:0009291, OMIM 232400.

Submission:

Labcorp Genetics (formerly Invitae), Labcorp
Classification: Pathogenic for Glycogen storage disease type III. Last evaluated: 2024-10-21. Review status: criteria provided, single submitter. Criteria: Invitae Variant Classification Sherloc (09022015). Collection method: clinical testing. Allele origin: germline.
Comment: This sequence change creates a premature translational stop signal (p.Ser795*) in the AGL gene. It is expected to result in an absent or disrupted protein product. Loss-of-function variants in AGL are known to be pathogenic (PMID: 19299494). This variant is not present in population databases (gnomAD no frequency). This variant has not been reported in the literature in individuals affected with AGL-related conditions. ClinVar contains an entry for this variant (Variation ID: 648558). For these reasons, this variant has been classified as Pathogenic.

Literature cited by the submitters: PubMed 19299494.

NM_000642.3(AGL):c.2384C>A (p.Ser795Ter)

Gene: AGL (amylo-alpha-1,6-glucosidase and 4-alpha-glucanotransferase; plus strand). Cytogenetic location: 1p21.2.
Variant type: single nucleotide variant.
Coding change: c.2384C>A on transcript NM_000642.3 (MANE Select); coding-DNA position 2384, C replaced by A.
Protein change: p.Ser795Ter; replaces serine 795 with a stop codon.
Molecular consequence: nonsense.
Genome position (GRCh38, 1-based): chr1:99,884,195, C>A. VCF-style: chr1-99884195-C-A. GRCh37 (hg19) VCF-style: chr1-100349751-C-A.
Other names: c.2384C>A, p.Ser795Ter (NM_000644.3, NM_001425325.1, NM_001425326.1 and 2 more transcripts); c.2336C>A, p.Ser779Ter (NM_000646.3); c.2183C>A, p.Ser728Ter (NM_001425327.1); c.2180C>A, p.Ser727Ter (NM_001425328.1, NM_001425329.1); c.2006C>A, p.Ser669Ter (NM_001425332.1); short protein forms S779*, S795*, S669*, S727*, S728*.
Identifiers: ClinVar variation 648558 (VCV000648558.7), dbSNP rs1206517501, ClinGen allele CA341320819.